The following is an entry in ClinVar:

ClinVar aggregate classification (germline): Pathogenic (1 of 4 stars; one submission).

Conditions:
Joubert syndrome. Also called: CEREBELLOPARENCHYMAL DISORDER IV; JOUBERT-BOLTSHAUSER SYNDROME; Familial aplasia of the vermis. Identifiers: Orphanet 475, MedGen C5979921, MONDO:0018772.
Nephronophthisis. Also called: Juvenile Nephronophthisis. Identifiers: Orphanet 655, MedGen C0687120, MONDO:0019005, HP:0000090.
Meckel-Gruber syndrome. Also called: DYSENCEPHALIA SPLANCHNOCYSTICA; GRUBER SYNDROME; Dysencephalia splachnocystica. Identifiers: Orphanet 564, MedGen C0265215, MONDO:0018921.

Submission:

Labcorp Genetics (formerly Invitae), Labcorp
Classification: Pathogenic for Joubert syndrome; Meckel-Gruber syndrome; Nephronophthisis. Last evaluated: 2022-11-01. Review status: criteria provided, single submitter. Criteria: Invitae Variant Classification Sherloc (09022015). Collection method: clinical testing. Allele origin: germline.
Comment: For these reasons, this variant has been classified as Pathogenic. This variant has not been reported in the literature in individuals affected with CEP290-related conditions. This variant is not present in population databases (gnomAD no frequency). This sequence change creates a premature translational stop signal (p.Glu336Glyfs*4) in the CEP290 gene. It is expected to result in an absent or disrupted protein product. Loss-of-function variants in CEP290 are known to be pathogenic (PMID: 16909394, 17345604, 20690115).

Literature cited by the submitters: PubMed 16909394; PubMed 17345604; PubMed 20690115.

NM_025114.4(CEP290):c.1006dup (p.Glu336fs)

Gene: CEP290 (centrosomal protein 290; minus strand). Cytogenetic location: 12q21.32.
Variant type: Duplication.
Coding change: c.1006dup on transcript NM_025114.4 (MANE Select); coding-DNA position 1006, one base duplicated (G; older notation c.1006dupG).
Protein change: p.Glu336fs; shifts the reading frame from glutamic acid 336.
Molecular consequence: frameshift variant.
Genome position (GRCh38, 1-based): chr12:88,126,375, C duplicated on the plus strand (G on the coding strand, the reverse complement: CEP290 is on the minus strand); the first of 3 consecutive C bases (chr12:88,126,375-88,126,377); duplicating any one gives the same sequence. VCF-style (leftmost placement, unchanged base first): chr12-88126374-T-TC. GRCh37 (hg19) VCF-style: chr12-88520151-T-TC.
Other names: short protein forms E336fs.
Identifiers: ClinVar variation 2941186 (VCV002941186.3), dbSNP rs2501333823, ClinGen allele CA2740092526.